The following is an entry in ClinVar:

ClinVar aggregate classification (germline): Likely pathogenic (0 of 4 stars; one submission).

Conditions:
Aspartylglucosaminuria (AGU). Also called: Aspartylglucos-aminuria; Aspartylglucos-amidase (AGA) deficiency; AGA DEFICIENCY; GLYCOASPARAGINASE; GLYCOSYLASPARAGINASE DEFICIENCY. Identifiers: Orphanet 93, MedGen C0268225, MONDO:0008830, OMIM 208400, HP:0012068.

Submission:

Juha Muilu Group; Institute for Molecular Medicine Finland (FIMM)
Classification: Likely pathogenic for Aspartylglycosaminuria. Review status: no assertion criteria provided. Collection method: not provided. Allele origin: unknown.
Comment: FinDis database variant: This variant was not found or characterized by our laboratory, data were collected from public sources: see reference
ClinVar note: Converted during submission from probable-pathogenic to Likely pathogenic.

NM_000027.4(AGA):c.369_373del (p.His124fs)

Gene: AGA (aspartylglucosaminidase; minus strand). Cytogenetic location: 4q34.3.
Variant type: Deletion.
Coding change: c.369_373del on transcript NM_000027.4 (MANE Select); coding-DNA positions 369 to 373, 5 bases deleted (ACACA; older notation c.369_373delACACA).
Protein change: p.His124fs; shifts the reading frame from histidine 124.
Molecular consequence: frameshift variant. On other transcripts: non-coding transcript variant (1).
Genome position (GRCh38, 1-based): chr4:177,439,597-177,439,601, TGTGT deleted on the plus strand (ACACA on the coding strand, the reverse complement: AGA is on the minus strand). VCF-style (leftmost placement, unchanged base first): chr4-177439596-GTGTGT-G. GRCh37 (hg19) VCF-style: chr4-178360750-GTGTGT-G.
Other names: c.369_373del, p.His124fs (NM_001171988.2); short protein forms H124fs.
Identifiers: ClinVar variation 55943 (VCV000055943.2), dbSNP rs386833424, ClinGen allele CA144019.
Genomic context (GRCh38, chr4:177,439,596, plus strand): 5'-CAAAAGACTAGAAAAAATTTCAGTGTAGTTAAAAAAATACCTGACTCTCCTACTAAAAGT[GTGTGT>G]GTTGTATGTTCCAGTACTTTCCGTGCCACACCAATAGCATTTTTAATTCGTCTGAGATCT-3'